The following is an entry in ClinVar:

NM_001987.5(ETV6):c.1031A>T (p.Tyr344Phe)

Genes: ETV6 (ETS variant transcription factor 6; plus strand), LOC126861452 (CDK7 strongly-dependent group 2 enhancer GRCh37_chr12:12037195-12038394; plus strand). Cytogenetic location: 12p13.2.
Variant type: single nucleotide variant.
Coding change: c.1031A>T on transcript NM_001987.5 (MANE Select); coding-DNA position 1031, A replaced by T.
Protein change: p.Tyr344Phe; replaces tyrosine 344 with phenylalanine.
Molecular consequence: missense variant. On other transcripts: intron variant (1).
Genome position (GRCh38, 1-based): chr12:11,884,466, A>T. VCF-style: chr12-11884466-A-T. GRCh37 (hg19) VCF-style: chr12-12037400-A-T.
Other names: c.1028A>T, p.Tyr343Phe (NM_001413913.1); c.1004A>T, p.Tyr335Phe (NM_001413914.1); c.767A>T, p.Tyr256Phe (NM_001413915.1); c.1010-6475A>T (NM_001413917.1); short protein forms Y256F, Y335F, Y344F, Y343F.
Identifiers: ClinVar variation 4826552 (VCV004826552.1).

ClinVar aggregate classification (germline): Uncertain significance (1 of 4 stars; one submission).

Conditions:
Inborn genetic diseases. Identifiers: MedGen C0950123, MeSH D030342.

Submission:

Ambry Genetics
Classification: Uncertain significance for Inborn genetic diseases. Last evaluated: 2026-03-08. Review status: criteria provided, single submitter. Criteria: Ambry Variant Classification Scheme 2023. Collection method: clinical testing. Allele origin: germline.
Comment: The p.Y344F variant (also known as c.1031A>T), located in coding exon 6 of the ETV6 gene, results from an A to T substitution at nucleotide position 1031. The tyrosine at codon 344 is replaced by phenylalanine, an amino acid with highly similar properties. This amino acid position is conserved. In addition, this alteration is predicted to be tolerated by in silico analysis. Based on the available evidence, the clinical significance of this variant remains unclear.